The following is an entry in ClinVar:

ClinVar aggregate classification (germline): Uncertain significance (1 of 4 stars; one submission).

Conditions:
Hereditary cancer-predisposing syndrome. Also called: Hereditary Cancer Syndrome; Neoplastic Syndromes, Hereditary; Tumor predisposition; Hereditary neoplastic syndrome. Identifiers: Orphanet 140162, MedGen C0027672, MeSH D009386, MONDO:0015356.

Submission:

Ambry Genetics
Classification: Uncertain significance for Hereditary cancer-predisposing syndrome. Last evaluated: 2026-07-20. Review status: criteria provided, single submitter. Criteria: Ambry Variant Classification Scheme 2023. Collection method: clinical testing. Allele origin: germline.
Comment: The p.R44P variant (also known as c.131G>C), located in coding exon 2 of the EPCAM gene, results from a G to C substitution at nucleotide position 131. The arginine at codon 44 is replaced by proline, an amino acid with dissimilar properties. This amino acid position is conserved. In addition, this alteration is predicted to be tolerated by in silico analysis. Based on the available evidence, the clinical significance of this variant remains unclear.

NM_002354.3(EPCAM):c.131G>C (p.Arg44Pro)

Gene: EPCAM (epithelial cell adhesion molecule; plus strand). Cytogenetic location: 2p21.
Variant type: single nucleotide variant.
Coding change: c.131G>C on transcript NM_002354.3 (MANE Select); coding-DNA position 131, G replaced by C.
Protein change: p.Arg44Pro; replaces arginine 44 with proline.
Molecular consequence: missense variant.
Genome position (GRCh38, 1-based): chr2:47,373,517, G>C. VCF-style: chr2-47373517-G-C. GRCh37 (hg19) VCF-style: chr2-47600656-G-C.
Other names: short protein forms R44P.
Identifiers: ClinVar variation 5036028 (VCV005036028.1).
Genomic context (GRCh38, chr2:47,373,517, plus strand): 5'-TTCTAGAATGTGTCTGTGAAAACTACAAGCTGGCCGTAAACTGCTTTGTGAATAATAATC[G>C]TCAATGCCAGTGTACTTCAGTTGGTGCACAAAATACTGTCATTTGCTCAAAGCGTGAGTA-3'
Protein context (NP_002345.2, residues 34-54): LAVNCFVNNN[Arg44Pro]QCQCTSVGAQ